The following is an entry in ClinVar:

NM_000070.3(CAPN3):c.1746-64C>T

Gene: CAPN3 (calpain 3; plus strand). Cytogenetic location: 15q15.1.
Variant type: single nucleotide variant.
Coding change: c.1746-64C>T on transcript NM_000070.3 (MANE Select); 64 bases into the intron before coding-DNA position 1746, C replaced by T.
Molecular consequence: intron variant.
Genome position (GRCh38, 1-based): chr15:42,403,677, C>T. VCF-style: chr15-42403677-C-T. GRCh37 (hg19) VCF-style: chr15-42695875-C-T.
Other names: c.1746-64C>T (NM_024344.2); c.1602-64C>T (NM_173087.2); c.210-64C>T (NM_173088.2).
Identifiers: ClinVar variation 680086 (VCV000680086.8), dbSNP rs17764849, ClinGen allele CA14169813.

ClinVar aggregate classification (germline): Benign/Likely benign. Review status: criteria provided, multiple submitters, no conflicts (2 of 4 stars). 5 submissions from 4 submitters: Benign (2); Likely benign (2). 1 of the submissions does not count toward it. Last evaluated 2021-06-10.

Conditions:
Autosomal recessive limb-girdle muscular dystrophy type 2A (LGMDR1). Also called: Limb-girdle muscular dystrophy, type 2A; Calpainopathy; Muscular dystrophy, limb-girdle, type 2A, Amish; LEYDEN-MOEBIUS MUSCULAR DYSTROPHY; MUSCULAR DYSTROPHY, PELVOFEMORAL. Identifiers: Orphanet 267, MedGen C1869123, MONDO:0009675, OMIM 253600. Disease mechanism: loss of function.
Muscular dystrophy, limb-girdle, autosomal dominant 4. Also called: MUSCULAR DYSTROPHY, LIMB-GIRDLE, TYPE 1I; Calpain-3-related limb-girdle muscular dystrophy D4. Identifiers: Orphanet 565909, MedGen C4748295, MONDO:0029133, OMIM 618129.

Allele frequency attached by ClinVar (database versions not stated): 1000 Genomes Project 0.02636; 1000 Genomes Project 30x 0.02811; gnomAD 0.03584 and 0.03691; TOPMed 0.03721; ESP Exome Variant Server 0.04141.
gnomAD v4.1: 52,639 of 1,484,508 alleles (3.5%); highest among the groups gnomAD compares: African/African-American, 4.8%; 1,077 homozygotes.

Submissions (5):

Genome-Nilou Lab
Classification: Benign for Muscular dystrophy, limb-girdle, autosomal dominant 4. Last evaluated: 2021-06-10. Review status: criteria provided, single submitter. Criteria: ACMG Guidelines, 2015. Collection method: clinical testing. Allele origin: germline. Affected: no.

Genome-Nilou Lab
Classification: Benign for Autosomal recessive limb-girdle muscular dystrophy type 2A. Last evaluated: 2021-06-10. Review status: criteria provided, single submitter. Criteria: ACMG Guidelines, 2015. Collection method: clinical testing. Allele origin: germline. Affected: no.

GeneDx
Classification: Likely benign. Last evaluated: 2018-06-16. Review status: criteria provided, single submitter. Criteria: GeneDx Variant Classification (06012015). Collection method: clinical testing. Allele origin: germline. Affected: yes.
Comment: This variant is considered likely benign or benign based on one or more of the following criteria: it is a conservative change, it occurs at a poorly conserved position in the protein, it is predicted to be benign by multiple in silico algorithms, and/or has population frequency not consistent with disease.

Breakthrough Genomics
Classification: Likely benign. Review status: criteria provided, single submitter. Criteria: ACMG Guidelines, 2015. Collection method: not provided. Allele origin: germline. Inheritance: Autosomal recessive inheritance. Affected: yes.

Natera, Inc.
Classification: Benign for Limb-girdle muscular dystrophy type 2A. Last evaluated: 2019-08-26. Review status: no assertion criteria provided. Collection method: clinical testing. Allele origin: germline. Not counted in ClinVar's aggregate classification.